The following is an entry in ClinVar:

NM_033004.4(NLRP1):c.2999C>T (p.Thr1000Met)

Gene: NLRP1 (NLR family pyrin domain containing 1; minus strand). Cytogenetic location: 17p13.2.
Variant type: single nucleotide variant.
Coding change: c.2999C>T on transcript NM_033004.4 (MANE Select); coding-DNA position 2999, C replaced by T.
Protein change: p.Thr1000Met; replaces threonine 1000 with methionine.
Molecular consequence: missense variant.
Genome position (GRCh38, 1-based): chr17:5,533,950, G>A on the plus strand (C>T on the coding strand, the complement: NLRP1 is on the minus strand). VCF-style: chr17-5533950-G-A. GRCh37 (hg19) VCF-style: chr17-5437270-G-A.
Other names: c.2999C>T, p.Thr1000Met (NM_001033053.3, NM_014922.5); c.2909C>T, p.Thr970Met (NM_033006.4, NM_033007.4); short protein forms T1000M, T970M.
Identifiers: ClinVar variation 2968547 (VCV002968547.3), dbSNP rs140976022, ClinGen allele CA8326967.

ClinVar aggregate classification (germline): Uncertain significance (1 of 4 stars; one submission).

Allele frequency attached by ClinVar (database versions not stated): gnomAD exomes below 0.00001; ExAC 0.00002; ESP Exome Variant Server 0.00008.
gnomAD v4.1: 4 of 1,613,294 alleles (0.00025%); highest among the groups gnomAD compares: Middle Eastern, 0.017%; no homozygotes.

Submission:

Labcorp Genetics (formerly Invitae), Labcorp
Classification: Uncertain significance. Last evaluated: 2023-06-25. Review status: criteria provided, single submitter. Criteria: Invitae Variant Classification Sherloc (09022015). Collection method: clinical testing. Allele origin: germline.
Comment: This sequence change replaces threonine, which is neutral and polar, with methionine, which is neutral and non-polar, at codon 1000 of the NLRP1 protein (p.Thr1000Met). In summary, the available evidence is currently insufficient to determine the role of this variant in disease. Therefore, it has been classified as a Variant of Uncertain Significance. An algorithm developed to predict the effect of missense changes on protein structure and function (PolyPhen-2) suggests that this variant is likely to be disruptive. This variant has not been reported in the literature in individuals affected with NLRP1-related conditions. This variant is present in population databases (rs140976022, gnomAD 0.003%).